The following is an entry in ClinVar:

NM_004453.4(ETFDH):c.1826G>A (p.Gly609Glu)

Gene: ETFDH (electron transfer flavoprotein dehydrogenase; plus strand). Cytogenetic location: 4q32.1.
Variant type: single nucleotide variant.
Coding change: c.1826G>A on transcript NM_004453.4 (MANE Select); coding-DNA position 1826, G replaced by A.
Protein change: p.Gly609Glu; replaces glycine 609 with glutamic acid.
Molecular consequence: missense variant.
Genome position (GRCh38, 1-based): chr4:158,708,499, G>A. VCF-style: chr4-158708499-G-A. GRCh37 (hg19) VCF-style: chr4-159629651-G-A.
Other names: c.1685G>A, p.Gly562Glu (NM_001281737.2); c.1643G>A, p.Gly548Glu (NM_001281738.1); short protein forms G548E, G562E, G609E.
Identifiers: ClinVar variation 4077398 (VCV004077398.1).

ClinVar aggregate classification (germline): Uncertain significance (1 of 4 stars; one submission).

Conditions:
Multiple acyl-CoA dehydrogenase deficiency (MADD). Also called: ETHYLMALONIC-ADIPICACIDURIA; GA II; Glutaric Acidemia type 2; Glutaric aciduria, type 2; Glutaric acidemia type II; GA 2. Identifiers: Orphanet 26791, MedGen C0268596, MONDO:0009282, OMIM 231680.

Submission:

Kasturba Medical College, Manipal, Kasturba Medical College, Manipal, Manipal Academy of Higher Education, Manipal, India
Classification: Uncertain significance for Multiple acyl-CoA dehydrogenase deficiency. Review status: criteria provided, single submitter. Criteria: ACMG Guidelines, 2015. Collection method: research. Allele origin: unknown. Inheritance: Autosomal recessive inheritance. Affected: yes.
Comment: This variant is absent in heterozygous and/or homozygous state in both gnomAD v4.1.0 and our in-house database of 3506 exomes. In silico tools (CADD_phred, REVEL) predict the variant to be damaging to ETFDH protein function. The ETFDH-related form of MADD, also known as glutaric aciduria type IIC (OMIM #231680), can present in adult-onset or atypical cases with progressive sensory and motor neuropathy, proximal muscle myopathy, and cerebellar involvement, representing a newly recognized phenotypic subtype. (Huang et al, 2020). However, based on current evidence, this variant is classified as a variant of uncertain significance.

Literature cited by the submitters: PubMed 32608139.